The following is an entry in ClinVar:

NM_000152.5(GAA):c.2014C>T (p.Arg672Trp)

Gene: GAA (alpha glucosidase; plus strand). Cytogenetic location: 17q25.3.
Variant type: single nucleotide variant.
Coding change: c.2014C>T on transcript NM_000152.5 (MANE Select); coding-DNA position 2014, C replaced by T.
Protein change: p.Arg672Trp; replaces arginine 672 with tryptophan.
Molecular consequence: missense variant.
Genome position (GRCh38, 1-based): chr17:80,113,001, C>T. VCF-style: chr17-80113001-C-T. GRCh37 (hg19) VCF-style: chr17-78086800-C-T.
Other names: c.2014C>T (LRG_673t1); c.2014C>T, p.Arg672Trp (NM_001079803.3, NM_001079804.3); short protein forms R672W.
Identifiers: ClinVar variation 188773 (VCV000188773.34), dbSNP rs757111744, ClinGen allele CA273939.
Genomic context (GRCh38, chr17:80,113,001, plus strand): 5'-AACACCTCAGAGGAGCTGTGTGTGCGCTGGACCCAGCTGGGGGCCTTCTACCCCTTCATG[C>T]GGAACCACAACAGCCTGCTCAGTCTGGTAGGGTGGGGGTGGCGGCATGGCAGGTGGGCGA-3'
Protein context (NP_000143.2, residues 662-682): TQLGAFYPFM[Arg672Trp]NHNSLLSLPQ

ClinVar aggregate classification (germline): Pathogenic. Review status: reviewed by expert panel (3 of 4 stars). 13 submissions from 13 submitters: Pathogenic (1). 12 of the submissions do not count toward it. Last evaluated 2022-01-04.

Conditions:
Glycogen storage disease due to acid maltase deficiency, late-onset (LOPD). Also called: POMPE DISEASE, LATE-ONSET; GLYCOGEN STORAGE DISEASE II, LATE-ONSET; ACID ALPHA-GLUCOSIDASE DEFICIENCY, LATE-ONSET; GAA DEFICIENCY, LATE-ONSET; ACID MALTASE DEFICIENCY, LATE-ONSET; AMD, LATE-ONSET. Identifiers: Orphanet 420429, MedGen C0342753, MONDO:0018485, OMIM 621314.
Glycogen storage disease, type II (IOPD). Also called: CARDIOMEGALIA GLYCOGENICA DIFFUSA; GLYCOGENOSIS, GENERALIZED, CARDIAC FORM; GSD II; Glucosidase acid-1,4-alpha deficiency; Pompe Disease; POMPE DISEASE, INFANTILE-ONSET. Identifiers: Orphanet 365, MedGen C0017921, MONDO:0009290, OMIM 232300.

Allele frequency attached by ClinVar (database versions not stated): gnomAD 0.00001 and 0.00002; gnomAD exomes 0.00001; TOPMed 0.00001; ExAC 0.00005; 1000 Genomes Project 30x 0.00016.

Submissions 1 to 7 of 13:

ClinGen Lysosomal Storage Disorder Variant Curation Expert Panel
Classification: Pathogenic for Glycogen storage disease, type II. Last evaluated: 2022-01-04. Review status: reviewed by expert panel. Criteria: clingen_lsd_acmg_specifications_v2-1. Collection method: curation. Allele origin: germline. Inheritance: Autosomal recessive inheritance.
Comment: The NM_000152.5:c.2014C>T variant in GAA is a missense variant predicted to cause substitution of arginine by tryptophan at amino acid 672 (p.Arg672Trp). The variant has been reported in 5 patients with a diagnosis of Pompe disease supported by <10% normal GAA activity in muscle (PMID 9535769), <1% GAA activity in cultured fibroblasts (PMID 16917947), or GAA activity in the affected range in leukocytes or lymphocytes (PMID 22676651, 25526786) in addition to at least 5 patients stated to have symptoms consistent with Pompe disease and deficient GAA activity but values not provided (PMID 16917947, 21803581, 27692865)(PP4_Moderate). At least 5 patients are compound heterozygous for the variant and a variant in GAA classified as pathogenic by the ClinGen LSD VCEP, phase unknown - c.-32-13T>G (PMID 16917947), c.2385delG (PMID 21484825), c.1411_1414del (PMID 27692865), c.766_785delinsC (PMID 9535769), and c.1951_1952insT (clinical laboratory data) (PM3_Strong). The variant has also been reported in compound heterozygotes with c.1748C>T(p.Ser583Phe)(PMID 21484825), c.323G>A (p.Cys108Tyr) (PMID 25526786), c.1465G>A (p.Asp489Asn)(PMID 16917947), c.1703A>T (p.His568Leu)(PMID 17027861, 22676651), c.2474C>G (p.Pro825Arg)(PMID 30564623). The in trans data from these patients will be used in the assessment of the second variant and is not included here in order to avoid circular logic. The highest population minor allele frequency in gnomAD v2.1.1 is 0.00003 (1/29806 alleles) in the South Asian population, which is lower than the ClinGen LSD VCEP’s threshold for PM2_Supporting (<0.001), meeting this criterion (PM2_Supporting). Expression of the variant in SV40-immortalized GAA-deficient fibroblasts revealed activity of <1% of the control value (PMID 9535769), and <2% activity in COS cells (PMID 19862843) (PS3_Supporting). The computational predictor REVEL gives a score of 0.9 which is above the threshold of 0.7, evidence that correlates with impact to GAA function (PP3). Another missense variant c.2015G>A (p.Arg672Gln)(see Table 1 in PMID 33578445) in the same codon has been classified as pathogenic for Pompe disease by the ClinGen LSD VCEP (likely pathogenic without PM5 data from c.2014C>T (p.Arg672Trp) PM5_Supporting). c.2015G>T (p.Arg672Leu) has also been reported but has not yet met the criteria to be classified as pathogenic or likely pathogenic. There is a ClinVar entry for this variant (Variation ID: 188773; 2 star status) with 5 submitters classifying the variant as pathogenic and one as likely pathogenic. In summary, this variant meets the criteria to be classified as pathogenic for Pompe disease. ACMG/AMP criteria met, as specified by the ClinGen Lysosomal Storage Disorders VCEP: PM3_Strong, PP4_Moderate, PP3, PS3_Supporting, PM2_Supporting, PM5_Supporting.

Genomenon, Inc
Classification: Pathogenic for Glycogen storage disease, type II. Last evaluated: 2026-07-01. Review status: criteria provided, single submitter. Criteria: Genomenon Sequence Variant Interpretation Standards - Updated. Collection method: curation. Allele origin: germline. Affected: yes. Not counted in ClinVar's aggregate classification.
Comment: GAA p.Arg672Trp (c.2014C>T) is a missense variant that changes the amino acid at codon 672 from Arginine to Tryptophan. This variant has been observed in at least one proband with a GAA-related disorder in the compound heterozygous and/or homozygous state (PMID:9535769;22980766;27692865;15986226;21484825;21757382;25526786;21179524;22081099;22676651). At least one functional study has demonstrated a substantial alteration in protein function relative to the wild-type (PMID:9535769;19862843). It is absent or not present at a significant frequency in gnomAD. In silico models predict that this variant is possibly or probably damaging. In conclusion, we classify GAA p.Arg672Trp (c.2014C>T) as a pathogenic variant.

Natera, Inc.
Classification: Pathogenic for Glycogen storage disease type II. Last evaluated: 2026-01-30. Review status: criteria provided, single submitter. Criteria: Natera Variant Classification Schema (03/2026). Collection method: clinical testing. Allele origin: germline. Not counted in ClinVar's aggregate classification.
Comment: The c.2014C>T variant in GAA is a missense variant predicted to cause substitution of arginine to tryptophan at amino acid 672. This variant is rare in the general population with a frequency below the threshold expected for the associated phenotype(s). This variant has been observed in one or more individuals affected with the associated recessive disease, as either homozygous or compound heterozygous with a second variant (PMID: 21484825, 22081099, 16917947). Computational prediction algorithms indicate this variant is likely to affect gene or protein function. Given the available evidence, this variant is classified as Pathogenic.

Labcorp Genetics (formerly Invitae), Labcorp
Classification: Pathogenic for Glycogen storage disease, type II. Last evaluated: 2025-11-13. Review status: criteria provided, single submitter. Criteria: Invitae Variant Classification Sherloc (09022015). Collection method: clinical testing. Allele origin: germline. Not counted in ClinVar's aggregate classification.
Comment: This sequence change replaces arginine, which is basic and polar, with tryptophan, which is neutral and slightly polar, at codon 672 of the GAA protein (p.Arg672Trp). The frequency data for this variant in the population databases is considered unreliable, as metrics indicate poor data quality at this position in the gnomAD database. This missense change has been observed in individual(s) with glycogen storage disease (PMID: 9535769, 15986226). ClinVar contains an entry for this variant (Variation ID: 188773). Invitae Evidence Modeling of protein sequence and biophysical properties (such as structural, functional, and spatial information, amino acid conservation, physicochemical variation, residue mobility, and thermodynamic stability) indicates that this missense variant is expected to disrupt GAA protein function with a positive predictive value of 95%. Experimental studies have shown that this missense change affects GAA function (PMID: 9535769). This variant disrupts the p.Arg672 amino acid residue in GAA. Other variant(s) that disrupt this residue have been determined to be pathogenic (PMID: 9535769, 11053688, 19862843, 23884227, 25712382, 28592009). This suggests that this residue is clinically significant, and that variants that disrupt this residue are likely to be disease-causing. For these reasons, this variant has been classified as Pathogenic.

GeneDx
Classification: Pathogenic. Last evaluated: 2024-03-22. Review status: criteria provided, single submitter. Criteria: GeneDx Variant Classification Process June 2021. Collection method: clinical testing. Allele origin: germline. Affected: yes. Not counted in ClinVar's aggregate classification.
Comment: In silico analysis supports that this missense variant has a deleterious effect on protein structure/function; Published functional studies demonstrate a damaging effect on enzyme activity (PMID: 9535769, 19862843); Located within the Catalytic (/)8 Barrel Domain (PMID: 19343043, 22253258); Not observed at significant frequency in large population cohorts (gnomAD); This variant is associated with the following publications: (PMID: 22676651, 31980526, 30275481, 15986226, 30564623, 25526786, 21803581, 21484825, 22980766, 21757382, 16917947, 19343043, 22253258, 27692865, 9535769, 19862843, 25712382, 28937052)

Revvity Omics, Revvity
Classification: Pathogenic. Last evaluated: 2023-12-18. Review status: criteria provided, single submitter. Criteria: ACMG Guidelines, 2015. Collection method: clinical testing. Allele origin: germline. Not counted in ClinVar's aggregate classification.

Fulgent Genetics
Classification: Pathogenic for Glycogen storage disease, type II. Last evaluated: 2022-03-04. Review status: criteria provided, single submitter. Criteria: ACMG Guidelines, 2015. Collection method: clinical testing. Allele origin: unknown. Not counted in ClinVar's aggregate classification.